The following is an entry in ClinVar:

ClinVar aggregate classification (germline): Uncertain significance (1 of 4 stars; one submission).

Conditions:
Developmental and epileptic encephalopathy, 37 (DEE37). Also called: Epileptic encephalopathy, early infantile, 37. Identifiers: MedGen C4310770, MONDO:0014859, OMIM 616981.

Allele frequency attached by ClinVar (database versions not stated): gnomAD exomes below 0.00001; gnomAD 0.00001; TOPMed 0.00001.
gnomAD v4.1: 3 of 1,210,538 alleles (0.00025%); highest among the groups gnomAD compares: Non-Finnish European, 0.00031%; no homozygotes.

Submission:

Labcorp Genetics (formerly Invitae), Labcorp
Classification: Uncertain significance for Developmental and epileptic encephalopathy, 37. Last evaluated: 2024-10-24. Review status: criteria provided, single submitter. Criteria: Invitae Variant Classification Sherloc (09022015). Collection method: clinical testing. Allele origin: germline.
Comment: This sequence change replaces proline, which is neutral and non-polar, with serine, which is neutral and polar, at codon 88 of the FRRS1L protein (p.Pro88Ser). The frequency data for this variant in the population databases is considered unreliable, as metrics indicate insufficient coverage at this position in the gnomAD database. This variant has not been reported in the literature in individuals affected with FRRS1L-related conditions. ClinVar contains an entry for this variant (Variation ID: 542873). An algorithm developed to predict the effect of missense changes on protein structure and function (PolyPhen-2) suggests that this variant is likely to be disruptive. In summary, the available evidence is currently insufficient to determine the role of this variant in disease. Therefore, it has been classified as a Variant of Uncertain Significance.

NM_014334.4(FRRS1L):c.109C>T (p.Pro37Ser)

Gene: FRRS1L (ferric chelate reductase 1 like; minus strand). Cytogenetic location: 9q31.3.
Variant type: single nucleotide variant.
Coding change: c.109C>T on transcript NM_014334.4 (MANE Select); coding-DNA position 109, C replaced by T.
Protein change: p.Pro37Ser; replaces proline 37 with serine.
Molecular consequence: missense variant.
Genome position (GRCh38, 1-based): chr9:109,167,030, G>A on the plus strand (C>T on the coding strand, the complement: FRRS1L is on the minus strand). VCF-style: chr9-109167030-G-A. GRCh37 (hg19) VCF-style: chr9-111929310-G-A.
Other names: short protein forms P37S.
Identifiers: ClinVar variation 542873 (VCV000542873.10), dbSNP rs1361706547, ClinGen allele CA374430479.